The following is an entry in ClinVar:

ClinVar aggregate classification (germline): Uncertain significance. Review status: criteria provided, multiple submitters, no conflicts (2 of 4 stars). 3 submissions from 3 submitters: Uncertain significance (2). 1 of the submissions does not count toward it. Last evaluated 2021-09-12.

Conditions:
Usher syndrome type 2A. Also called: RETINAL DISEASE IN USHER SYNDROME TYPE IIA, MODIFIER OF; USHER SYNDROME, TYPE IIA. Identifiers: Orphanet 231178, Orphanet 886, MedGen C1848634, MONDO:0010169, OMIM 276901.

gnomAD v4.1: 3 of 1,613,964 alleles (0.00019%); highest among the groups gnomAD compares: Non-Finnish European, 0.00017%; no homozygotes.

Submissions (3):

Blueprint Genetics
Classification: Uncertain significance. Last evaluated: 2021-09-12. Review status: criteria provided, single submitter. Criteria: ACMG Guidelines, 2015. Collection method: clinical testing. Allele origin: germline.

Labcorp Genetics (formerly Invitae), Labcorp
Classification: Uncertain significance. Last evaluated: 2021-09-01. Review status: criteria provided, single submitter. Criteria: Invitae Variant Classification Sherloc (09022015). Collection method: clinical testing. Allele origin: germline.
Comment: This sequence change replaces asparagine with isoleucine at codon 3738 of the USH2A protein (p.Asn3738Ile). The asparagine residue is highly conserved and there is a large physicochemical difference between asparagine and isoleucine. This variant is not present in population databases (ExAC no frequency). This variant has not been reported in the literature in individuals affected with USH2A-related conditions. Algorithms developed to predict the effect of missense changes on protein structure and function are either unavailable or do not agree on the potential impact of this missense change (SIFT: "Deleterious"; PolyPhen-2: "Benign"; Align-GVGD: "Class C65"). In summary, the available evidence is currently insufficient to determine the role of this variant in disease. Therefore, it has been classified as a Variant of Uncertain Significance.

Natera, Inc.
Classification: Uncertain significance for Usher syndrome type 2A. Last evaluated: 2021-06-21. Review status: no assertion criteria provided. Collection method: clinical testing. Allele origin: germline. Not counted in ClinVar's aggregate classification.

NM_206933.4(USH2A):c.11213A>T (p.Asn3738Ile)

Gene: USH2A (usherin; minus strand). Cytogenetic location: 1q41.
Variant type: single nucleotide variant.
Coding change: c.11213A>T on transcript NM_206933.4 (MANE Select); coding-DNA position 11213, A replaced by T.
Protein change: p.Asn3738Ile; replaces asparagine 3738 with isoleucine.
Molecular consequence: missense variant.
Genome position (GRCh38, 1-based): chr1:215,759,678, T>A on the plus strand (A>T on the coding strand, the complement: USH2A is on the minus strand). VCF-style: chr1-215759678-T-A. GRCh37 (hg19) VCF-style: chr1-215933020-T-A.
Other names: short protein forms N3738I.
Identifiers: ClinVar variation 949006 (VCV000949006.5), dbSNP rs1416382590, ClinGen allele CA344822458.